The following is an entry in ClinVar:

NM_000203.5(IDUA):c.1730G>A (p.Cys577Tyr)

Gene: IDUA (alpha-L-iduronidase; plus strand). Cytogenetic location: 4p16.3.
Variant type: single nucleotide variant.
Coding change: c.1730G>A on transcript NM_000203.5 (MANE Select); coding-DNA position 1730, G replaced by A.
Protein change: p.Cys577Tyr; replaces cysteine 577 with tyrosine.
Molecular consequence: missense variant. On other transcripts: non-coding transcript variant (1).
Genome position (GRCh38, 1-based): chr4:1,004,014, G>A. VCF-style: chr4-1004014-G-A. GRCh37 (hg19) VCF-style: chr4-997802-G-A.
Other names: NM_001363576.1:c.1334G>A; c.1334G>A, p.Cys445Tyr (NM_001363576.1); short protein forms C445Y, C577Y.
Identifiers: ClinVar variation 4539821 (VCV004539821.1).

ClinVar aggregate classification (germline): Uncertain significance (3 of 4 stars; one submission).

Conditions:
Mucopolysaccharidosis type 1. Also called: IDUA deficiency; MPS I. Identifiers: Orphanet 579, MedGen C0023786, MONDO:0001586.

gnomAD v4.1: 2 of 1,609,214 alleles (0.00012%); highest among the groups gnomAD compares: South Asian, 0.0022%; no homozygotes.

Submission:

ClinGen Lysosomal Storage Disorder Variant Curation Expert Panel
Classification: Uncertain significance for Mucopolysaccharidosis type 1. Last evaluated: 2025-12-15. Review status: reviewed by expert panel. Criteria: ClinGen LSD ACMG Specifications IDUA V1.1.0. Collection method: curation. Allele origin: germline. Inheritance: Autosomal recessive inheritance.
Comment: The NM_000203.4:c.1730G>A variant in IDUA is a missense variant predicted to cause substitution of Cysteine by Tyrosine at amino acid 577 (p.Cys577Tyr). This individual was compound heterozygous for the variant and another variant in IDUA that has been classified as pathogenic by the ClinGen LD VCEP, c.972+1G>A (PMID:27520059) (PM3_Supporting). The highest population minor allele frequency in gnomAD v4.1.0 is 0.00002 (2/90866 alleles) in the South Asian population, which is lower than the ClinGen Lysosomal Diseases VCEP’s threshold for PM2_Supporting (<0.00025), meeting this criterion (PM2_Supporting). The computational predictor REVEL gives a score of 0.814 which is above the threshold of 0.773, evidence that correlates with impact to IDUA function at the moderate level based on the specifications of the ClinGen Lysosomal Diseases VCEP (PMID: 36413997) (PP3_Moderate). In summary, this variant meets the criteria to be classified as a variant of uncertain significance (VUS) for MPS I based on the IDUA-specific ACMG/AMP criteria applied, as specified by the ClinGen Lysosomal Diseases Variant Curation Expert Panel (Specifications Version 1.1.0): PM2_supporting; PP3_Moderate; PM3_Supporting (Classification approved by the ClinGen Lysosomal Diseases Variant Curation Expert Panel on December 15, 2025)